The following is an entry in ClinVar:

NM_019842.4(KCNQ5):c.2644G>A (p.Glu882Lys)

Gene: KCNQ5 (potassium voltage-gated channel subfamily Q member 5; plus strand). Cytogenetic location: 6q13.
Variant type: single nucleotide variant.
Coding change: c.2644G>A on transcript NM_019842.4 (MANE Select); coding-DNA position 2644, G replaced by A.
Protein change: p.Glu882Lys; replaces glutamic acid 882 with lysine.
Molecular consequence: missense variant.
Genome position (GRCh38, 1-based): chr6:73,195,259, G>A. VCF-style: chr6-73195259-G-A. GRCh37 (hg19) VCF-style: chr6-73904982-G-A.
Other names: c.2617G>A, p.Glu873Lys (NM_001160130.2); c.2674G>A, p.Glu892Lys (NM_001160132.2); c.2701G>A, p.Glu901Lys (NM_001160133.2); c.2314G>A, p.Glu772Lys (NM_001160134.2); short protein forms E772K, E873K, E882K, E892K, E901K.
Identifiers: ClinVar variation 2662932 (VCV002662932.1), dbSNP rs2533933249, ClinGen allele CA364696911.
Genomic context (GRCh38, chr6:73,195,259, plus strand): 5'-CCCAAATGGAGGGAATCCAAATTGTTTATAACTGATGAAGAGGTGGGTCCCGAAGAGACA[G>A]AGACAGACACTTTTGATGCCGCACCGCAGCCTGCCAGGGAAGCTGCCTTTGCATCAGACT-3'
Protein context (NP_062816.2, residues 872-892): TDEEVGPEET[Glu882Lys]TDTFDAAPQP

ClinVar aggregate classification (germline): Uncertain significance (1 of 4 stars; one submission).

gnomAD v4.1: 3 of 1,614,218 alleles (0.00019%); highest among the groups gnomAD compares: Non-Finnish European, 0.00025%; no homozygotes.

Submission:

GeneDx
Classification: Uncertain significance. Last evaluated: 2023-05-16. Review status: criteria provided, single submitter. Criteria: GeneDx Variant Classification Process June 2021. Collection method: clinical testing. Allele origin: germline. Affected: yes.
Comment: Not observed at significant frequency in large population cohorts (gnomAD); In silico analysis supports that this missense variant does not alter protein structure/function; Has not been previously published as pathogenic or benign to our knowledge